The following is an entry in ClinVar:

NM_003923.3(FOXH1):c.539C>G (p.Ala180Gly)

Gene: FOXH1 (forkhead box H1; minus strand). Cytogenetic location: 8q24.3.
Variant type: single nucleotide variant.
Coding change: c.539C>G on transcript NM_003923.3 (MANE Select); coding-DNA position 539, C replaced by G.
Protein change: p.Ala180Gly; replaces alanine 180 with glycine.
Molecular consequence: missense variant.
Genome position (GRCh38, 1-based): chr8:144,474,797, G>C on the plus strand (C>G on the coding strand, the complement: FOXH1 is on the minus strand). VCF-style: chr8-144474797-G-C. GRCh37 (hg19) VCF-style: chr8-145700180-G-C.
Other names: short protein forms A180G.
Identifiers: ClinVar variation 3893322 (VCV003893322.2).

ClinVar aggregate classification (germline): Uncertain significance (1 of 4 stars; one submission).

Submission:

GeneDx
Classification: Uncertain significance. Last evaluated: 2025-12-20. Review status: criteria provided, single submitter. Criteria: GeneDx Variant Classification Process June 2021. Collection method: clinical testing. Allele origin: germline.
Comment: Not observed at significant frequency in large population cohorts (gnomAD); In silico analysis suggests that this missense variant does not alter protein structure/function; Has not been previously published as pathogenic or benign to our knowledge